The following is an entry in ClinVar:

NM_000064.4(C3):c.677A>C (p.Glu226Ala)

Gene: C3 (complement C3; minus strand). Cytogenetic location: 19p13.3.
Variant type: single nucleotide variant.
Coding change: c.677A>C on transcript NM_000064.4 (MANE Select); coding-DNA position 677, A replaced by C.
Protein change: p.Glu226Ala; replaces glutamic acid 226 with alanine.
Molecular consequence: missense variant.
Genome position (GRCh38, 1-based): chr19:6,714,171, T>G on the plus strand (A>C on the coding strand, the complement: C3 is on the minus strand). VCF-style: chr19-6714171-T-G. GRCh37 (hg19) VCF-style: chr19-6714182-T-G.
Other names: short protein forms E226A.
Identifiers: ClinVar variation 4280274 (VCV004280274.1).

ClinVar aggregate classification (germline): Uncertain significance (1 of 4 stars; one submission).

Conditions:
Complement component 3 deficiency. Identifiers: Orphanet 280133, MedGen C3151071, MONDO:0013417, OMIM 613779.
C3 glomerulonephritis. Also called: Nephropathy due to CFHR5 Deficiency; C3 GLOMERULOPATHY 3. Identifiers: Orphanet 329931, MedGen C4055342, MONDO:0013892, OMIM 614809.
Atypical hemolytic-uremic syndrome. Identifiers: Orphanet 2134, MedGen C2931788, MONDO:0016244.

Submission:

Genomenon, Inc
Classification: Uncertain significance for Complement component 3 deficiency; C3 glomerulonephritis; Atypical hemolytic-uremic syndrome. Last evaluated: 2025-09-30. Review status: criteria provided, single submitter. Criteria: Genomenon Sequence Variant Interpretation Standards. Collection method: curation. Allele origin: germline. Affected: no.
Comment: C3 p.Glu226Ala (c.677A>C) is a missense variant that changes the amino acid at residue 226 from Glutamic acid to Alanine. This variant has been reported in the published literature (PMID:28254726). It is absent or not present at a significant frequency in gnomAD. In conclusion, we classify C3 p.Glu226Ala (c.677A>C) as a variant of unknown significance.

Literature cited by the submitters: PubMed 28254726.